The following is an entry in ClinVar:

ClinVar aggregate classification (germline): Uncertain significance (1 of 4 stars; one submission).

Conditions:
Progressive sclerosing poliodystrophy (MTDPS4A). Also called: ALPERS PROGRESSIVE INFANTILE POLIODYSTROPHY; ALPERS DIFFUSE DEGENERATION OF CEREBRAL GRAY MATTER WITH HEPATIC CIRRHOSIS; Alpers-Huttenlocher Syndrome; NEURONAL DEGENERATION OF CHILDHOOD WITH LIVER DISEASE, PROGRESSIVE; Alpers Syndrome; Mitochondrial DNA Depletion Syndrome 4A. Identifiers: Orphanet 726, MedGen C0205710, MONDO:0008758, OMIM 203700.

Allele frequency attached by ClinVar (database versions not stated): gnomAD below 0.00001 and 0.00001; gnomAD exomes 0.00001; ExAC 0.00002.
gnomAD v4.1: 22 of 1,612,620 alleles (0.0014%); highest among the groups gnomAD compares: South Asian, 0.023%; no homozygotes.

Submission:

Labcorp Genetics (formerly Invitae), Labcorp
Classification: Uncertain significance for Progressive sclerosing poliodystrophy. Last evaluated: 2024-12-02. Review status: criteria provided, single submitter. Criteria: Invitae Variant Classification Sherloc (09022015). Collection method: clinical testing. Allele origin: germline.
Comment: This sequence change falls in intron 18 of the POLG gene. It does not directly change the encoded amino acid sequence of the POLG protein. It affects a nucleotide within the consensus splice site. This variant is present in population databases (rs769780988, gnomAD 0.01%). This variant has not been reported in the literature in individuals affected with POLG-related conditions. ClinVar contains an entry for this variant (Variation ID: 1021752). Variants that disrupt the consensus splice site are a relatively common cause of aberrant splicing (PMID: 17576681, 9536098). Algorithms developed to predict the effect of sequence changes on RNA splicing suggest that this variant is not likely to affect RNA splicing. In summary, the available evidence is currently insufficient to determine the role of this variant in disease. Therefore, it has been classified as a Variant of Uncertain Significance.

Literature cited by the submitters: PubMed 17576681; PubMed 9536098.

NM_002693.3(POLG):c.2981+3G>A

Gene: POLG (DNA polymerase gamma, catalytic subunit; minus strand). Cytogenetic location: 15q26.1.
Variant type: single nucleotide variant.
Coding change: c.2981+3G>A on transcript NM_002693.3 (MANE Select); 3 bases into the intron after coding-DNA position 2981, G replaced by A.
Molecular consequence: intron variant.
Genome position (GRCh38, 1-based): chr15:89,320,763, C>T on the plus strand (G>A on the coding strand, the complement: POLG is on the minus strand). VCF-style: chr15-89320763-C-T. GRCh37 (hg19) VCF-style: chr15-89863994-C-T.
Other names: c.2981+3G>A (NM_001126131.2).
Identifiers: ClinVar variation 1021752 (VCV001021752.6), dbSNP rs769780988, ClinGen allele CA7724312.